The following is an entry in ClinVar:

NM_003072.5(SMARCA4):c.70C>G (p.Pro24Ala)

Gene: SMARCA4 (SWI/SNF related BAF chromatin remodeling complex subunit ATPase 4; plus strand). Cytogenetic location: 19p13.2.
Variant type: single nucleotide variant.
Coding change: c.70C>G on transcript NM_003072.5 (MANE Select); coding-DNA position 70, C replaced by G.
Protein change: p.Pro24Ala; replaces proline 24 with alanine.
Molecular consequence: missense variant. On other transcripts: non-coding transcript variant (1).
Genome position (GRCh38, 1-based): chr19:10,984,221, C>G. VCF-style: chr19-10984221-C-G. GRCh37 (hg19) VCF-style: chr19-11094897-C-G.
Other names: c.70C>G, p.Pro24Ala (NM_001128844.3, NM_001128845.2, NM_001128846.2 and 5 more transcripts); short protein forms P24A.
Identifiers: ClinVar variation 408598 (VCV000408598.22), dbSNP rs1060502057, ClinGen allele CA16616100.

ClinVar aggregate classification (germline): Conflicting classifications of pathogenicity. Review status: criteria provided, conflicting classifications (1 of 4 stars). 7 submissions from 7 submitters: Uncertain significance (6); Likely benign (1). Last evaluated 2025-10-20.

Conditions:
Hereditary cancer-predisposing syndrome. Also called: Hereditary Cancer Syndrome; Hereditary neoplastic syndrome; Neoplastic Syndromes, Hereditary; Tumor predisposition. Identifiers: Orphanet 140162, MedGen C0027672, MeSH D009386, MONDO:0015356.
Intellectual disability, autosomal dominant 16 (CSS4). Also called: COFFIN-SIRIS SYNDROME 4. Identifiers: Orphanet 1465, MedGen C3553249, MONDO:0013821, OMIM 614609.
Rhabdoid tumor predisposition syndrome 2 (RTPS2). Identifiers: Orphanet 231108, Orphanet 69077, MedGen C2750074, MONDO:0013224, OMIM 613325.

Allele frequency attached by ClinVar (database versions not stated): TOPMed below 0.00001.
gnomAD v4.1: 22 of 1,612,800 alleles (0.0014%); highest among the groups gnomAD compares: Non-Finnish European, 0.0016%; no homozygotes.

Submissions (7):

Labcorp Genetics (formerly Invitae), Labcorp
Classification: Uncertain significance for Rhabdoid tumor predisposition syndrome 2. Last evaluated: 2025-10-20. Review status: criteria provided, single submitter. Criteria: Invitae Variant Classification Sherloc (09022015). Collection method: clinical testing. Allele origin: germline.
Comment: This sequence change replaces proline, which is neutral and non-polar, with alanine, which is neutral and non-polar, at codon 24 of the SMARCA4 protein (p.Pro24Ala). This variant is not present in population databases (gnomAD no frequency). This variant has not been reported in the literature in individuals affected with SMARCA4-related conditions. ClinVar contains an entry for this variant (Variation ID: 408598). Invitae Evidence Modeling of protein sequence and biophysical properties (such as structural, functional, and spatial information, amino acid conservation, physicochemical variation, residue mobility, and thermodynamic stability) has been performed for this missense variant. However, the output from this modeling did not meet the statistical confidence thresholds required to predict the impact of this variant on SMARCA4 protein function. In summary, the available evidence is currently insufficient to determine the role of this variant in disease. Therefore, it has been classified as a Variant of Uncertain Significance.

Quest Diagnostics Nichols Institute San Juan Capistrano
Classification: Uncertain significance. Last evaluated: 2025-04-11. Review status: criteria provided, single submitter. Criteria: Quest Diagnostics criteria. Collection method: clinical testing. Allele origin: unknown.
Comment: The SMARCA4 c.70C>G (p.Pro24Ala) variant has not been reported in individuals with SMARCA4-related conditions in the published literature. It also has not been reported in large, multi-ethnic general populations (Genome Aggregation Database). Analysis of this variant using bioinformatics tools for the prediction of the effect of amino acid changes on protein structure and function yielded predictions that this variant is damaging. Based on the available information, we are unable to determine the clinical significance of this variant.

Baylor Genetics
Classification: Uncertain significance for Rhabdoid tumor predisposition syndrome 2. Last evaluated: 2024-01-15. Review status: criteria provided, single submitter. Criteria: ACMG Guidelines, 2015. Collection method: clinical testing. Allele origin: unknown.

Ambry Genetics
Classification: Likely benign for Hereditary cancer-predisposing syndrome. Last evaluated: 2023-01-11. Review status: criteria provided, single submitter. Criteria: Ambry Variant Classification Scheme 2023. Collection method: clinical testing. Allele origin: germline.

Illumina Laboratory Services, Illumina
Classification: Uncertain significance. Last evaluated: 2022-09-22. Review status: criteria provided, single submitter. Criteria: ICSL CNVClassificationCriteria Aug2020. Collection method: clinical testing. Allele origin: unknown. Affected: yes.
Comment: The SMARCA4 c.70C>G (p.Pro24Ala) missense variant results in the substitution of proline at amino acid position 24 with alanine. To our knowledge, this variant has not been reported in the peer-reviewed literature. This variant is not found in version 2.1.1 or version 3.1.2 of the Genome Aggregation Database. This variant is not located in or near the HAS, DEXDc, and HELICc functional domains of the protein where most reported missense variants have clustered. Based on the available evidence, the c.70C>G (p.Pro24Ala) variant is classified as a variant of uncertain significance for Coffin-Siris syndrome.

GeneDx
Classification: Uncertain significance. Last evaluated: 2022-02-15. Review status: criteria provided, single submitter. Criteria: GeneDx Variant Classification Process June 2021. Collection method: clinical testing. Allele origin: germline. Affected: yes.
Comment: Not observed at significant frequency in large population cohorts (gnomAD); In silico analysis supports that this missense variant has a deleterious effect on protein structure/function; Has not been previously published as pathogenic or benign to our knowledge

Genome-Nilou Lab
Classification: Uncertain significance for Intellectual disability, autosomal dominant 16. Last evaluated: 2021-07-15. Review status: criteria provided, single submitter. Criteria: ACMG Guidelines, 2015. Collection method: clinical testing. Allele origin: germline. Affected: no.